The following is an entry in ClinVar:

ClinVar aggregate classification (germline): Likely pathogenic (1 of 4 stars; one submission).

Conditions:
Bainbridge-Ropers syndrome. Also called: Severe feeding difficulties-failure to thrive-microcephaly due to ASXL3 deficiency syndrome. Identifiers: Orphanet 352577, MedGen C4750837, MONDO:0014205, OMIM 615485.

Submission:

Mayo Clinic Laboratories, Mayo Clinic
Classification: Likely pathogenic for Bainbridge-Ropers syndrome. Last evaluated: 2016-12-15. Review status: criteria provided, single submitter. Criteria: ACMG Guidelines, 2015. Collection method: clinical testing. Allele origin: de novo.

NM_030632.3(ASXL3):c.4072_4085del (p.Val1358fs)

Gene: ASXL3 (ASXL transcriptional regulator 3; plus strand). Cytogenetic location: 18q12.1.
Variant type: Deletion.
Coding change: c.4072_4085del on transcript NM_030632.3 (MANE Select); coding-DNA positions 4072 to 4085, 14 bases deleted (GTCTTGATTCCCCC).
Protein change: p.Val1358fs; shifts the reading frame from valine 1358.
Molecular consequence: frameshift variant.
Genome position (GRCh38, 1-based): chr18:33,743,920-33,743,933, GTCTTGATTCCCCC deleted. VCF-style (leftmost placement, unchanged base first): chr18-33743919-TGTCTTGATTCCCCC-T. GRCh37 (hg19) VCF-style: chr18-31323883-TGTCTTGATTCCCCC-T.
Other names: short protein forms V1358fs.
Identifiers: ClinVar variation 547900 (VCV000547900.7), dbSNP rs1555744039, ClinGen allele CA658824693.